The following is an entry in ClinVar:

ClinVar aggregate classification (germline): Uncertain significance (1 of 4 stars; one submission).

Conditions:
Myoglobinuria, acute recurrent, autosomal recessive. Also called: Myoglobinuria, recurrent, autosomal recessive; MYOGLOBINURIA, FAMILIAL PAROXYSMAL PARALYTIC; RHABDOMYOLYSIS, ACUTE RECURRENT. Identifiers: Orphanet 99845, MedGen C1849386, MONDO:0009992, OMIM 268200.

gnomAD v4.1: 36 of 1,600,216 alleles (0.0022%); highest among the groups gnomAD compares: Non-Finnish European, 0.003%; no homozygotes.

Submission:

ARUP Laboratories, Molecular Genetics and Genomics, ARUP Laboratories
Classification: Uncertain significance for Myoglobinuria, acute recurrent, autosomal recessive. Last evaluated: 2025-02-25. Review status: criteria provided, single submitter. Criteria: ARUP Molecular Germline Variant Investigation Process 2024. Collection method: clinical testing. Allele origin: germline.
Comment: The LPIN1 c.559A>G; p.Ser187Gly variant (rs759372275), to our knowledge, is not reported in the medical literature or gene specific databases. This variant is only observed on one allele in the Genome Aggregation Database (v2.1.1), indicating it is not a common polymorphism. Computational analyses are uncertain whether this variant is neutral or deleterious (REVEL: 0.435). Due to limited information, the clinical significance of this variant is uncertain at this time.

NM_001349206.2(LPIN1):c.559A>G (p.Ser187Gly)

Gene: LPIN1 (lipin 1; plus strand). Cytogenetic location: 2p25.1.
Variant type: single nucleotide variant.
Coding change: c.559A>G on transcript NM_001349206.2 (MANE Select); coding-DNA position 559, A replaced by G.
Protein change: p.Ser187Gly; replaces serine 187 with glycine.
Molecular consequence: missense variant. On other transcripts: non-coding transcript variant (1).
Genome position (GRCh38, 1-based): chr2:11,771,642, A>G. VCF-style: chr2-11771642-A-G. GRCh37 (hg19) VCF-style: chr2-11911768-A-G.
Other names: c.577A>G, p.Ser193Gly (NM_001261427.3); c.706A>G, p.Ser236Gly (NM_001261428.3, NM_001349208.2); c.559A>G, p.Ser187Gly (NM_001349199.2, NM_001349200.2, NM_001349201.2 and 5 more transcripts); c.649A>G, p.Ser217Gly (NM_001349207.2); short protein forms S187G, S193G, S217G, S236G.
Identifiers: ClinVar variation 4685645 (VCV004685645.1).